The following is an entry in ClinVar:

NM_004260.4(RECQL4):c.1543C>T (p.Pro515Ser)

Gene: RECQL4 (RecQ like helicase 4; minus strand). Cytogenetic location: 8q24.3.
Variant type: single nucleotide variant.
Coding change: c.1543C>T on transcript NM_004260.4 (MANE Select); coding-DNA position 1543, C replaced by T.
Protein change: p.Pro515Ser; replaces proline 515 with serine.
Molecular consequence: missense variant.
Genome position (GRCh38, 1-based): chr8:144,515,013, G>A on the plus strand (C>T on the coding strand, the complement: RECQL4 is on the minus strand). VCF-style: chr8-144515013-G-A. GRCh37 (hg19) VCF-style: chr8-145740397-G-A.
Other names: short protein forms P515S.
Identifiers: ClinVar variation 955367 (VCV000955367.6), dbSNP rs761310564, ClinGen allele CA4948810.
Genomic context (GRCh38, chr8:144,515,013, plus strand): 5'-ACAGCAGGGGAGAGACGACCAACGTGAGGCAGGGGCTGCGCCGGCTGTAGAGCAGCGCTG[G>A]GAGCTGGTAGCACAGGGACTTGCCGGCACCTGTAGGCAGCACCAGCAGCGTGGAGATGCC-3'
Protein context (NP_004251.4, residues 505-525): GAGKSLCYQL[Pro515Ser]ALLYSRRSPC

ClinVar aggregate classification (germline): Uncertain significance. Review status: criteria provided, multiple submitters, no conflicts (2 of 4 stars). 2 submissions from 2 submitters: Uncertain significance (2). Last evaluated 2024-12-20.

Conditions:
Baller-Gerold syndrome (BGS). Also called: CRANIOSYNOSTOSIS WITH RADIAL DEFECTS. Identifiers: Orphanet 1225, MedGen C0265308, MONDO:0009039, OMIM 218600.
Inborn genetic diseases. Identifiers: MedGen C0950123, MeSH D030342.

Allele frequency attached by ClinVar (database versions not stated): TOPMed below 0.00001; ExAC 0.00001; gnomAD 0.00001; gnomAD exomes 0.00001.
gnomAD v4.1: 8 of 1,610,854 alleles (0.0005%); highest among the groups gnomAD compares: Non-Finnish European, 0.00068%; no homozygotes.

Submissions (2):

Ambry Genetics
Classification: Uncertain significance for Inborn genetic diseases. Last evaluated: 2024-12-20. Review status: criteria provided, single submitter. Criteria: Ambry Variant Classification Scheme 2023. Collection method: clinical testing. Allele origin: germline.
Comment: The p.P515S variant (also known as c.1543C>T), located in coding exon 9 of the RECQL4 gene, results from a C to T substitution at nucleotide position 1543. The proline at codon 515 is replaced by serine, an amino acid with similar properties. This amino acid position is conserved. In addition, this alteration is predicted to be deleterious by in silico analysis. Based on the available evidence, the clinical significance of this variant remains unclear.

Labcorp Genetics (formerly Invitae), Labcorp
Classification: Uncertain significance for Baller-Gerold syndrome. Last evaluated: 2024-04-15. Review status: criteria provided, single submitter. Criteria: Invitae Variant Classification Sherloc (09022015). Collection method: clinical testing. Allele origin: germline.
Comment: This sequence change replaces proline, which is neutral and non-polar, with serine, which is neutral and polar, at codon 515 of the RECQL4 protein (p.Pro515Ser). The frequency data for this variant in the population databases is considered unreliable, as metrics indicate poor data quality at this position in the gnomAD database. This variant has not been reported in the literature in individuals affected with RECQL4-related conditions. ClinVar contains an entry for this variant (Variation ID: 955367). Advanced modeling of protein sequence and biophysical properties (such as structural, functional, and spatial information, amino acid conservation, physicochemical variation, residue mobility, and thermodynamic stability) performed at Invitae indicates that this missense variant is expected to disrupt RECQL4 protein function with a positive predictive value of 80%. In summary, the available evidence is currently insufficient to determine the role of this variant in disease. Therefore, it has been classified as a Variant of Uncertain Significance.